The following is an entry in ClinVar:

ClinVar aggregate classification (germline): Uncertain significance. Review status: criteria provided, multiple submitters, no conflicts (2 of 4 stars). 2 submissions from 2 submitters: Uncertain significance (2). Last evaluated 2024-01-02.

Conditions:
Inborn genetic diseases. Identifiers: MedGen C0950123, MeSH D030342.

Allele frequency attached by ClinVar (database versions not stated): ExAC 0.00001; gnomAD 0.00003; TOPMed 0.00005.

Submissions (2):

Ambry Genetics
Classification: Uncertain significance for Inborn genetic diseases. Last evaluated: 2024-01-02. Review status: criteria provided, single submitter. Criteria: Ambry Variant Classification Scheme 2023. Collection method: clinical testing. Allele origin: germline.

Labcorp Genetics (formerly Invitae), Labcorp
Classification: Uncertain significance. Last evaluated: 2023-07-21. Review status: criteria provided, single submitter. Criteria: Invitae Variant Classification Sherloc (09022015). Collection method: clinical testing. Allele origin: germline.
Comment: Advanced modeling of protein sequence and biophysical properties (such as structural, functional, and spatial information, amino acid conservation, physicochemical variation, residue mobility, and thermodynamic stability) performed at Invitae indicates that this missense variant is not expected to disrupt CHD8 protein function. In summary, the available evidence is currently insufficient to determine the role of this variant in disease. Therefore, it has been classified as a Variant of Uncertain Significance. ClinVar contains an entry for this variant (Variation ID: 2182527). This variant has not been reported in the literature in individuals affected with CHD8-related conditions. This variant is present in population databases (rs763228229, gnomAD 0.003%). This sequence change replaces asparagine, which is neutral and polar, with lysine, which is basic and polar, at codon 1967 of the CHD8 protein (p.Asn1967Lys).

NM_001170629.2(CHD8):c.5901C>A (p.Asn1967Lys)

Gene: CHD8 (chromodomain helicase DNA binding protein 8; minus strand). Cytogenetic location: 14q11.2.
Variant type: single nucleotide variant.
Coding change: c.5901C>A on transcript NM_001170629.2 (MANE Select); coding-DNA position 5901, C replaced by A.
Protein change: p.Asn1967Lys; replaces asparagine 1967 with lysine.
Molecular consequence: missense variant.
Genome position (GRCh38, 1-based): chr14:21,393,894, G>T on the plus strand (C>A on the coding strand, the complement: CHD8 is on the minus strand). VCF-style: chr14-21393894-G-T. GRCh37 (hg19) VCF-style: chr14-21862053-G-T.
Other names: c.5064C>A, p.Asn1688Lys (NM_020920.4); c.5901C>A (NM_001170629.1); short protein forms N1688K, N1967K.
Identifiers: ClinVar variation 2182527 (VCV002182527.5), dbSNP rs763228229, ClinGen allele CA7090876.